The following is an entry in ClinVar:

NM_000540.3(RYR1):c.2029C>G (p.Gln677Glu)

Gene: RYR1 (ryanodine receptor 1; plus strand). Cytogenetic location: 19q13.2.
Variant type: single nucleotide variant.
Coding change: c.2029C>G on transcript NM_000540.3 (MANE Select); coding-DNA position 2029, C replaced by G.
Protein change: p.Gln677Glu; replaces glutamine 677 with glutamic acid.
Molecular consequence: missense variant.
Genome position (GRCh38, 1-based): chr19:38,458,154, C>G. VCF-style: chr19-38458154-C-G. GRCh37 (hg19) VCF-style: chr19-38948794-C-G.
Other names: c.2029C>G, p.Gln677Glu (NM_001042723.2); short protein forms Q677E.
Identifiers: ClinVar variation 3069525 (VCV003069525.1), dbSNP rs878854365, ClinGen allele CA405696464.

ClinVar aggregate classification (germline): Uncertain significance (1 of 4 stars; one submission).

Conditions:
Malignant hyperthermia, susceptibility to, 1 (MHS1). Also called: RYR1-Related Malignant Hyperthermia Susceptibility; Anesthesia related hyperthermia; Malignant hyperpyrexia; Fulminating hyperpyrexia; Pharmacogenic myopathy; Malignant hyperthermia suceptibility 1. Identifiers: Orphanet 423, MedGen C2930980, MONDO:0007783, OMIM 145600.

Submission:

All of Us Research Program, National Institutes of Health
Classification: Uncertain significance for Malignant hyperthermia, susceptibility to, 1. Last evaluated: 2023-02-24. Review status: criteria provided, single submitter. Criteria: ACMG Guidelines, 2015. Collection method: clinical testing. Allele origin: germline. Inheritance: Autosomal dominant inheritance. Observed: 1 variant allele, 1 heterozygote.
Comment: This missense variant replaces glutamine with glutamic acid at codon 677 of the RYR1 protein. Computational prediction suggests that this variant may not impact protein structure and function (internally defined REVEL score threshold <= 0.5, PMID: 27666373). To our knowledge, functional studies have not been reported for this variant. This variant has not been reported in individuals affected with RYR1-related disorders in the literature. This variant has not been identified in the general population by the Genome Aggregation Database (gnomAD). The available evidence is insufficient to determine the role of this variant in disease conclusively. Therefore, this variant is classified as a Variant of Uncertain Significance.

This study involves interpretation of variants in research participants for the purpose of population health screening. Participant phenotype was not available at the time of variant classification. Additional details can be found in publication PMID: 35346344, PMCID: PMC8962531